The following is an entry in ClinVar:

NM_001349.4(DARS1):c.520G>C (p.Val174Leu)

Gene: DARS1 (aspartyl-tRNA synthetase 1; minus strand). Cytogenetic location: 2q21.3.
Variant type: single nucleotide variant.
Coding change: c.520G>C on transcript NM_001349.4 (MANE Select); coding-DNA position 520, G replaced by C.
Protein change: p.Val174Leu; replaces valine 174 with leucine.
Molecular consequence: missense variant.
Genome position (GRCh38, 1-based): chr2:135,932,827, C>G on the plus strand (G>C on the coding strand, the complement: DARS1 is on the minus strand). VCF-style: chr2-135932827-C-G. GRCh37 (hg19) VCF-style: chr2-136690397-C-G.
Other names: c.220G>C, p.Val74Leu (NM_001293312.1); short protein forms V74L, V174L.
Identifiers: ClinVar variation 2023027 (VCV002023027.4), dbSNP rs2467381073, ClinGen allele CA348653022.

ClinVar aggregate classification (germline): Uncertain significance (1 of 4 stars; one submission).

Submission:

Labcorp Genetics (formerly Invitae), Labcorp
Classification: Uncertain significance. Last evaluated: 2025-07-21. Review status: criteria provided, single submitter. Criteria: Invitae Variant Classification Sherloc (09022015). Collection method: clinical testing. Allele origin: germline.
Comment: This sequence change replaces valine, which is neutral and non-polar, with leucine, which is neutral and non-polar, at codon 174 of the DARS protein (p.Val174Leu). This variant is not present in population databases (gnomAD no frequency). This variant has not been reported in the literature in individuals affected with DARS-related conditions. ClinVar contains an entry for this variant (Variation ID: 2023027). Invitae Evidence Modeling of protein sequence and biophysical properties (such as structural, functional, and spatial information, amino acid conservation, physicochemical variation, residue mobility, and thermodynamic stability) indicates that this missense variant is not expected to disrupt DARS protein function with a negative predictive value of 80%. In summary, the available evidence is currently insufficient to determine the role of this variant in disease. Therefore, it has been classified as a Variant of Uncertain Significance.